The following is an entry in ClinVar:

ClinVar aggregate classification (germline): Uncertain significance (0 of 4 stars; one submission).

Conditions:
Familial cardiomyopathy. Identifiers: MedGen C0264789, MONDO:0005217.

Submission:

Evolutionary and Medical Genetics Laboratory,  Centre for Cellular and Molecular Biology
Classification: Uncertain significance. Review status: no assertion criteria provided. Collection method: not provided. Allele origin: unknown.
ClinVar note: Converted during submission from unknown to Uncertain significance.

NM_000257.4(MYH7):c.639+31C>A

Gene: MYH7 (myosin heavy chain 7; minus strand). Cytogenetic location: 14q11.2.
Variant type: single nucleotide variant.
Coding change: c.639+31C>A on transcript NM_000257.4 (MANE Select); 31 bases into the intron after coding-DNA position 639, C replaced by A.
Molecular consequence: intron variant.
Genome position (GRCh38, 1-based): chr14:23,431,730, G>T on the plus strand (C>A on the coding strand, the complement: MYH7 is on the minus strand). VCF-style: chr14-23431730-G-T. GRCh37 (hg19) VCF-style: chr14-23900939-G-T.
Identifiers: ClinVar variation 132935 (VCV000132935.2), dbSNP rs369187721, ClinGen allele CA016592.